The following is an entry in ClinVar:

NM_000264.5(PTCH1):c.3445G>A (p.Val1149Ile)

Gene: PTCH1 (patched 1; minus strand). Cytogenetic location: 9q22.32.
Variant type: single nucleotide variant.
Coding change: c.3445G>A on transcript NM_000264.5 (MANE Select); coding-DNA position 3445, G replaced by A.
Protein change: p.Val1149Ile; replaces valine 1149 with isoleucine.
Molecular consequence: missense variant. On other transcripts: non-coding transcript variant (1).
Genome position (GRCh38, 1-based): chr9:95,453,482, C>T on the plus strand (G>A on the coding strand, the complement: PTCH1 is on the minus strand). VCF-style: chr9-95453482-C-T. GRCh37 (hg19) VCF-style: chr9-98215764-C-T.
Other names: c.3247G>A, p.Val1083Ile (NM_001083602.3); c.3442G>A, p.Val1148Ile (NM_001083603.3); c.2992G>A, p.Val998Ile (NM_001083604.3, NM_001083605.3, NM_001083606.3 and 1 more transcripts); c.3289G>A, p.Val1097Ile (NM_001354918.2); short protein forms V1083I, V1149I, V1097I, V1148I, V998I.
Identifiers: ClinVar variation 4676216 (VCV004676216.1).

ClinVar aggregate classification (germline): Uncertain significance (1 of 4 stars; one submission).

Conditions:
Hereditary cancer-predisposing syndrome. Also called: Neoplastic Syndromes, Hereditary; Tumor predisposition; Hereditary Cancer Syndrome; Hereditary neoplastic syndrome. Identifiers: Orphanet 140162, MedGen C0027672, MeSH D009386, MONDO:0015356.

gnomAD v4.1: 4 of 1,614,092 alleles (0.00025%); highest among the groups gnomAD compares: Non-Finnish European, 0.00034%; no homozygotes.

Submission:

Ambry Genetics
Classification: Uncertain significance for Hereditary cancer-predisposing syndrome. Last evaluated: 2025-12-08. Review status: criteria provided, single submitter. Criteria: Ambry Variant Classification Scheme 2023. Collection method: clinical testing. Allele origin: germline.
Comment: The p.V1149I variant (also known as c.3445G>A), located in coding exon 20 of the PTCH1 gene, results from a G to A substitution at nucleotide position 3445. The valine at codon 1149 is replaced by isoleucine, an amino acid with highly similar properties. This amino acid position is conserved. In addition, the in silico prediction for this alteration is inconclusive. Based on the available evidence, the clinical significance of this variant remains unclear.